The following is an entry in ClinVar:

NM_144999.4(LRRC45):c.987G>A (p.Ala329=)

Gene: LRRC45 (leucine rich repeat containing 45; plus strand). Cytogenetic location: 17q25.3.
Variant type: single nucleotide variant.
Coding change: c.987G>A on transcript NM_144999.4 (MANE Select); coding-DNA position 987, G replaced by A.
Protein change: p.Ala329=; no amino-acid change (alanine 329 retained).
Molecular consequence: synonymous variant.
Genome position (GRCh38, 1-based): chr17:82,028,086, G>A. VCF-style: chr17-82028086-G-A. GRCh37 (hg19) VCF-style: chr17-79985962-G-A.
Identifiers: ClinVar variation 2648477 (VCV002648477.25), dbSNP rs78172878, ClinGen allele CA8847880.

ClinVar aggregate classification (germline): Likely benign. Review status: criteria provided, multiple submitters, no conflicts (2 of 4 stars). 2 submissions from 2 submitters: Likely benign (2). Last evaluated 2022-06-01.

Allele frequency attached by ClinVar (database versions not stated): ExAC 0.00123; 1000 Genomes Project 0.00200; gnomAD 0.00257; TOPMed 0.00306; ESP Exome Variant Server 0.00349.
gnomAD v4.1: 776 of 1,587,438 alleles (0.049%); highest among the groups gnomAD compares: African/African-American, 0.91%; 2 homozygotes.

Submissions (2):

CeGaT Center for Human Genetics Tuebingen
Classification: Likely benign. Last evaluated: 2022-06-01. Review status: criteria provided, single submitter. Criteria: CeGaT Center For Human Genetics Tuebingen Variant Classification Criteria Version 2. Collection method: clinical testing. Allele origin: germline. Affected: yes. Observed: 1 variant allele.
Comment: LRRC45: BP4, BP7

Breakthrough Genomics
Classification: Likely benign. Review status: criteria provided, single submitter. Criteria: ACMG Guidelines, 2015. Collection method: not provided. Allele origin: germline. Inheritance: Unknown mechanism. Affected: yes.